The following is an entry in ClinVar:

NM_014855.3(AP5Z1):c.2378C>T (p.Thr793Met)

Gene: AP5Z1 (adaptor related protein complex 5 subunit zeta 1; plus strand). Cytogenetic location: 7p22.1.
Variant type: single nucleotide variant.
Coding change: c.2378C>T on transcript NM_014855.3 (MANE Select); coding-DNA position 2378, C replaced by T.
Protein change: p.Thr793Met; replaces threonine 793 with methionine.
Molecular consequence: missense variant. On other transcripts: non-coding transcript variant (1).
Genome position (GRCh38, 1-based): chr7:4,791,339, C>T. VCF-style: chr7-4791339-C-T. GRCh37 (hg19) VCF-style: chr7-4830970-C-T.
Other names: c.1910C>T, p.Thr637Met (NM_001364858.1); short protein forms T793M, T637M.
Identifiers: ClinVar variation 1489734 (VCV001489734.5), dbSNP rs775668440, ClinGen allele CA4138458.
Genomic context (GRCh38, chr7:4,791,339, plus strand): 5'-AGGTGTGCAGCCCCCGCTATCACCGCGATGCCAACACGGCCCTGCCCCTGGCCCTGCGCA[C>T]GGTCAGCCGGCTGGTGGAGAGGGAGGCCGGCCTCATGCCAGGGTGAAGGGACAGTGGCCA-3'
Protein context (NP_055670.1, residues 783-803): ANTALPLALR[Thr793Met]VSRLVEREAG

ClinVar aggregate classification (germline): Uncertain significance (1 of 4 stars; one submission).

Conditions:
Hereditary spastic paraplegia 48. Also called: SPASTIC PARAPLEGIA 48, AUTOSOMAL RECESSIVE; Spastic paraplegia 48. Identifiers: Orphanet 306511, MedGen C3150901, MONDO:0013342, OMIM 613647.

Allele frequency attached by ClinVar (database versions not stated): gnomAD 0.00002 and 0.00003; gnomAD exomes 0.00003; ExAC 0.00004.
gnomAD v4.1: 40 of 1,609,508 alleles (0.0025%); highest among the groups gnomAD compares: East Asian, 0.025%; no homozygotes.

Submission:

Labcorp Genetics (formerly Invitae), Labcorp
Classification: Uncertain significance for Hereditary spastic paraplegia 48. Last evaluated: 2022-08-23. Review status: criteria provided, single submitter. Criteria: Invitae Variant Classification Sherloc (09022015). Collection method: clinical testing. Allele origin: germline.
Comment: This sequence change replaces threonine, which is neutral and polar, with methionine, which is neutral and non-polar, at codon 793 of the AP5Z1 protein (p.Thr793Met). This variant is present in population databases (rs775668440, gnomAD 0.01%). This variant has not been reported in the literature in individuals affected with AP5Z1-related conditions. ClinVar contains an entry for this variant (Variation ID: 1489734). Algorithms developed to predict the effect of missense changes on protein structure and function output the following: SIFT: "Tolerated"; PolyPhen-2: "Benign"; Align-GVGD: "Class C0". The methionine amino acid residue is found in multiple mammalian species, which suggests that this missense change does not adversely affect protein function. In summary, the available evidence is currently insufficient to determine the role of this variant in disease. Therefore, it has been classified as a Variant of Uncertain Significance.